The following is an entry in ClinVar:

NM_017780.4(CHD7):c.5405G>A (p.Gly1802Asp)

Gene: CHD7 (chromodomain helicase DNA binding protein 7; plus strand). Cytogenetic location: 8q12.2.
Variant type: single nucleotide variant.
Coding change: c.5405G>A on transcript NM_017780.4 (MANE Select); coding-DNA position 5405, G replaced by A.
Protein change: p.Gly1802Asp; replaces glycine 1802 with aspartic acid.
Molecular consequence: missense variant. On other transcripts: intron variant (1).
Genome position (GRCh38, 1-based): chr8:60,850,493, G>A. VCF-style: chr8-60850493-G-A. GRCh37 (hg19) VCF-style: chr8-61763052-G-A.
Other names: c.1717-11736G>A (NM_001316690.1); short protein forms G1802D.
Identifiers: ClinVar variation 981683 (VCV000981683.7), dbSNP rs1805405695, ClinGen allele CA371321465.

ClinVar aggregate classification (germline): Conflicting classifications of pathogenicity. Review status: criteria provided, conflicting classifications (1 of 4 stars). 3 submissions from 3 submitters: Likely pathogenic (1); Uncertain significance (1). 1 of the submissions does not count toward it. Last evaluated 2024-10-04.

Conditions:
Hypogonadotropic hypogonadism 5 with or without anosmia (KAL5). Also called: HYPOGONADOTROPIC HYPOGONADISM 5 WITH ANOSMIA; HYPOGONADOTROPHIC HYPOGONADISM 5 WITHOUT ANOSMIA; CHD7-Related GnRH Deficiency (Kallmann Syndrome 5). Identifiers: Orphanet 478, MedGen C3552553, MONDO:0012880, OMIM 612370. Disease mechanism: loss of function.
3MC syndrome. Also called: Craniofacial-ulnar-renal syndrome. Identifiers: Orphanet 293843, MedGen C4303860, MONDO:0017398.
CHARGE syndrome (CHARGE). Also called: Hittner Hirsch Kreh syndrome; Coloboma, heart anomaly, choanal atresia, retardation, genital and ear anomalies; CHARGE association; Hall-Hittner syndrome; CHARGE ASSOCIATION--COLOBOMA, HEART ANOMALY, CHOANAL ATRESIA, RETARDATION, GENITAL AND EAR ANOMALIES. Identifiers: Orphanet 138, MedGen C0265354, MONDO:0008965.

Submissions (3):

Dubai Health Genomic Medicine Center, Dubai Health
Classification: Likely pathogenic for Hypogonadotropic hypogonadism 5 with or without anosmia. Last evaluated: 2024-10-04. Review status: criteria provided, single submitter. Criteria: ACMG Guidelines, 2015. Collection method: research. Allele origin: germline. Affected: yes.
Comment: PS2,PM2,PP3

Labcorp Genetics (formerly Invitae), Labcorp
Classification: Uncertain significance for CHARGE syndrome. Last evaluated: 2024-09-18. Review status: criteria provided, single submitter. Criteria: Invitae Variant Classification Sherloc (09022015). Collection method: clinical testing. Allele origin: germline.
Comment: This sequence change replaces glycine, which is neutral and non-polar, with aspartic acid, which is acidic and polar, at codon 1802 of the CHD7 protein (p.Gly1802Asp). This variant is not present in population databases (gnomAD no frequency). This missense change has been observed in individual(s) with CHARGE syndrome and/or clinical features of Kallmann syndrome (PMID: 21554267; internal data). In at least one individual the variant was observed to be de novo. ClinVar contains an entry for this variant (Variation ID: 981683). An algorithm developed to predict the effect of missense changes on protein structure and function (PolyPhen-2) suggests that this variant is likely to be disruptive. In summary, the available evidence is currently insufficient to determine the role of this variant in disease. Therefore, it has been classified as a Variant of Uncertain Significance.

Autoinflammatory diseases unit, CHU de Montpellier
Classification: Pathogenic for 3MC syndrome. Last evaluated: 2015-11-27. Review status: no assertion criteria provided. Collection method: clinical testing. Allele origin: de novo. Affected: yes. Not counted in ClinVar's aggregate classification.

Literature cited by the submitters: PubMed 21554267 (cited by Labcorp Genetics (formerly Invitae), Labcorp).